The following is an entry in ClinVar:

NM_024996.7(GFM1):c.1642C>T (p.Gln548Ter)

Gene: GFM1 (G elongation factor mitochondrial 1; plus strand). Cytogenetic location: 3q25.32.
Variant type: single nucleotide variant.
Coding change: c.1642C>T on transcript NM_024996.7 (MANE Select); coding-DNA position 1642, C replaced by T.
Protein change: p.Gln548Ter; replaces glutamine 548 with a stop codon.
Molecular consequence: nonsense. On other transcripts: non-coding transcript variant (4).
Genome position (GRCh38, 1-based): chr3:158,682,035, C>T. VCF-style: chr3-158682035-C-T. GRCh37 (hg19) VCF-style: chr3-158399824-C-T.
Other names: c.1699C>T, p.Gln567Ter (NM_001308164.2); c.1642C>T, p.Gln548Ter (NM_001308166.2); c.1561C>T, p.Gln521Ter (NM_001374355.1); c.1525C>T, p.Gln509Ter (NM_001374356.1); c.1417C>T, p.Gln473Ter (NM_001374357.1); c.1183C>T, p.Gln395Ter (NM_001374358.1); c.1075C>T, p.Gln359Ter (NM_001374359.1, NM_001374360.1); c.958C>T, p.Gln320Ter (NM_001374361.1); short protein forms Q359*, Q548*, Q320*, Q395*, Q473*, Q509*, Q521*, Q567*.
Identifiers: ClinVar variation 1460255 (VCV001460255.8), dbSNP rs1214047183, ClinGen allele CA355181033.

ClinVar aggregate classification (germline): Pathogenic (1 of 4 stars; one submission).

Allele frequency attached by ClinVar (database versions not stated): gnomAD exomes below 0.00001.
gnomAD v4.1: 1 of 1,613,400 alleles (0.000062%); highest among the groups gnomAD compares: Non-Finnish European, 0.000085%; no homozygotes.

Submission:

Labcorp Genetics (formerly Invitae), Labcorp
Classification: Pathogenic. Last evaluated: 2021-01-17. Review status: criteria provided, single submitter. Criteria: Invitae Variant Classification Sherloc (09022015). Collection method: clinical testing. Allele origin: germline.
Comment: This sequence change creates a premature translational stop signal (p.Gln548*) in the GFM1 gene. It is expected to result in an absent or disrupted protein product. Loss-of-function variants in GFM1 are known to be pathogenic (PMID: 16632485, 17160893). This variant is not present in population databases (ExAC no frequency). This variant has not been reported in the literature in individuals with GFM1-related conditions. For these reasons, this variant has been classified as Pathogenic.

Literature cited by the submitters: PubMed 16632485; PubMed 17160893.